The following is an entry in ClinVar:

NM_000260.4(MYO7A):c.1714A>C (p.Thr572Pro)

Gene: MYO7A (myosin VIIA; plus strand). Cytogenetic location: 11q13.5.
Variant type: single nucleotide variant.
Coding change: c.1714A>C on transcript NM_000260.4 (MANE Select); coding-DNA position 1714, A replaced by C.
Protein change: p.Thr572Pro; replaces threonine 572 with proline.
Molecular consequence: missense variant.
Genome position (GRCh38, 1-based): chr11:77,166,079, A>C. VCF-style: chr11-77166079-A-C. GRCh37 (hg19) VCF-style: chr11-76877125-A-C.
Other names: c.1714A>C, p.Thr572Pro (NM_001127180.2); c.1681A>C, p.Thr561Pro (NM_001369365.1); short protein forms T561P, T572P.
Identifiers: ClinVar variation 2635287 (VCV002635287.1), dbSNP rs2496933876, ClinGen allele CA381936945.
Genomic context (GRCh38, chr11:77,166,079, plus strand): 5'-GAGCTGGTGAGAGGTGACTGCTGTTTGCTGCTTGCAGGCTTCCTGGAGAAGAACCGAGAC[A>C]CCCTGCATGGGGACATTATCCAGCTGGTCCACTCCTCCAGGAACAAGTTCATCAAGCAGA-3'
Protein context (NP_000251.3, residues 562-582): TQGFLEKNRD[Thr572Pro]LHGDIIQLVH

ClinVar aggregate classification (germline): Uncertain significance (1 of 4 stars; one submission).

Conditions:
MYO7A-related disorder. Also called: MYO7A-related disorders.

Submission:

PreventionGenetics, part of Exact Sciences
Classification: Uncertain significance for MYO7A-related condition. Last evaluated: 2022-12-01. Review status: criteria provided, single submitter. Criteria: ACMG Guidelines, 2015. Collection method: clinical testing. Allele origin: germline.
Comment: The MYO7A c.1714A>C variant is predicted to result in the amino acid substitution p.Thr572Pro. To our knowledge, this variant has not been reported in the literature or in a large population database, indicating this variant is rare. At this time, the clinical significance of this variant is uncertain due to the absence of conclusive functional and genetic evidence.